The following is an entry in ClinVar:

ClinVar aggregate classification (germline): Pathogenic (1 of 4 stars; one submission).

Conditions:
Neurofibromatosis, type 1 (NF1). Also called: Neurofibromatosis, type I; VON RECKLINGHAUSEN DISEASE; Peripheral type neurofibromatosis; NEUROFIBROMATOSIS, TYPE I, SOMATIC. Identifiers: Orphanet 636, MedGen C0027831, MONDO:0018975, OMIM 162200. Disease mechanism: loss of function.

Submission:

Labcorp Genetics (formerly Invitae), Labcorp
Classification: Pathogenic for Neurofibromatosis, type 1. Last evaluated: 2020-01-23. Review status: criteria provided, single submitter. Criteria: Invitae Variant Classification Sherloc (09022015). Collection method: clinical testing. Allele origin: germline.
Comment: This variant has not been reported in the literature in individuals with NF1-related conditions. Algorithms developed to predict the effect of sequence changes on RNA splicing suggest that this variant may create or strengthen a splice site, but this prediction has not been confirmed by published transcriptional studies. Loss-of-function variants in NF1 are known to be pathogenic (PMID: 10712197, 23913538). For these reasons, this variant has been classified as Pathogenic. This variant is not present in population databases (ExAC no frequency). This sequence change creates a premature translational stop signal (p.Asn1662Lysfs*8) in the NF1 gene. It is expected to result in an absent or disrupted protein product.

Literature cited by the submitters: PubMed 10712197; PubMed 23913538.

NM_001042492.3(NF1):c.5049_5059del (p.Asn1683fs)

Gene: NF1 (neurofibromin 1; plus strand). Cytogenetic location: 17q11.2.
Variant type: Deletion.
Coding change: c.5049_5059del on transcript NM_001042492.3 (MANE Select); coding-DNA positions 5049 to 5059, 11 bases deleted (CTCCTGGGTCA).
Protein change: p.Asn1683fs; shifts the reading frame from asparagine 1683.
Molecular consequence: frameshift variant.
Genome position (GRCh38, 1-based): chr17:31,326,033-31,326,043, CTCCTGGGTCA deleted; deleting any 11 consecutive bases within chr17:31,326,032-31,326,043 gives the same sequence; the c. name uses the placement nearest the transcript's 3' end. VCF-style (leftmost placement, unchanged base first): chr17-31326031-AACTCCTGGGTC-A. GRCh37 (hg19) VCF-style: chr17-29653049-AACTCCTGGGTC-A.
Other names: c.4986_4996delCTCCTGGGTCA, p.Asn1662Lysfs (NM_000267.4); short protein forms N1662fs, N1683fs.
Identifiers: ClinVar variation 853045 (VCV000853045.7), dbSNP rs2069331850, ClinGen allele CA916080613.